The following is an entry in ClinVar:

ClinVar aggregate classification (germline): Uncertain significance. Review status: criteria provided, multiple submitters, no conflicts (2 of 4 stars). 2 submissions from 2 submitters: Uncertain significance (2). Last evaluated 2022-08-23.

Conditions:
Neuromuscular disease caused by qualitative or quantitative defects of dysferlin. Also called: Qualitative or quantitative defects of dysferlin; Dysferlinopathy. Identifiers: Orphanet 207073, MedGen C2931687, MONDO:0016145.
Inborn genetic diseases. Identifiers: MedGen C0950123, MeSH D030342.

Allele frequency attached by ClinVar (database versions not stated): gnomAD 0.00001; TOPMed 0.00001; ExAC 0.00003; gnomAD exomes 0.00003.
gnomAD v4.1: 14 of 1,614,074 alleles (0.00087%); highest among the groups gnomAD compares: Admixed American, 0.012%; no homozygotes.

Submissions (2):

Labcorp Genetics (formerly Invitae), Labcorp
Classification: Uncertain significance for Neuromuscular disease caused by qualitative or quantitative defects of dysferlin. Last evaluated: 2022-08-23. Review status: criteria provided, single submitter. Criteria: Invitae Variant Classification Sherloc (09022015). Collection method: clinical testing. Allele origin: germline.
Comment: This sequence change replaces valine, which is neutral and non-polar, with methionine, which is neutral and non-polar, at codon 1856 of the DYSF protein (p.Val1856Met). This variant is present in population databases (rs758389756, gnomAD 0.02%). This variant has not been reported in the literature in individuals affected with DYSF-related conditions. ClinVar contains an entry for this variant (Variation ID: 1502990). Advanced modeling of protein sequence and biophysical properties (such as structural, functional, and spatial information, amino acid conservation, physicochemical variation, residue mobility, and thermodynamic stability) performed at Invitae indicates that this missense variant is expected to disrupt DYSF protein function. In summary, the available evidence is currently insufficient to determine the role of this variant in disease. Therefore, it has been classified as a Variant of Uncertain Significance.

Ambry Genetics
Classification: Uncertain significance for Inborn genetic diseases. Last evaluated: 2021-09-16. Review status: criteria provided, single submitter. Criteria: Ambry Variant Classification Scheme 2023. Collection method: clinical testing. Allele origin: germline.

NM_001130987.2(DYSF):c.5683G>A (p.Val1895Met)

Gene: DYSF (dysferlin; plus strand). Cytogenetic location: 2p13.2.
Variant type: single nucleotide variant.
Coding change: c.5683G>A on transcript NM_001130987.2 (MANE Select); coding-DNA position 5683, G replaced by A.
Protein change: p.Val1895Met; replaces valine 1895 with methionine.
Molecular consequence: missense variant.
Genome position (GRCh38, 1-based): chr2:71,669,645, G>A. VCF-style: chr2-71669645-G-A. GRCh37 (hg19) VCF-style: chr2-71896775-G-A.
Other names: c.5566G>A (NM_003494.3); c.5569G>A, p.Val1857Met (NM_001130455.2); c.5524G>A, p.Val1842Met (NM_001130976.2); c.5587G>A, p.Val1863Met (NM_001130977.2); c.5629G>A, p.Val1877Met (NM_001130978.2); c.5659G>A, p.Val1887Met (NM_001130979.2); c.5617G>A, p.Val1873Met (NM_001130980.2); c.5680G>A, p.Val1894Met (NM_001130981.2); and 6 more; short protein forms V1842M, V1856M, V1874M, V1887M, V1863M, V1864M, V1877M, V1888M.
Identifiers: ClinVar variation 1502990 (VCV001502990.4), dbSNP rs758389756, ClinGen allele CA1707475.